The following is an entry in ClinVar:

ClinVar aggregate classification (germline): Uncertain significance. Review status: criteria provided, multiple submitters, no conflicts (2 of 4 stars). 2 submissions from 2 submitters: Uncertain significance (2). Last evaluated 2022-09-06.

Conditions:
Hereditary cancer-predisposing syndrome. Also called: Neoplastic Syndromes, Hereditary; Hereditary Cancer Syndrome; Hereditary neoplastic syndrome; Tumor predisposition. Identifiers: Orphanet 140162, MedGen C0027672, MeSH D009386, MONDO:0015356.
Ataxia-telangiectasia syndrome (AT). Also called: Cerebello-oculocutaneous telangiectasia; Immunodeficiency with ataxia telangiectasia; Ataxia-telangiectasia, complementation group D; AT, COMPLEMENTATION GROUP C; ATAXIA-TELANGIECTASIA, FRESNO VARIANT; ATAXIA-TELANGIECTASIA, COMPLEMENTATION GROUP A. Identifiers: Orphanet 100, MedGen C0004135, MONDO:0008840, OMIM 208900.

Submissions (2):

Ambry Genetics
Classification: Uncertain significance for Hereditary cancer-predisposing syndrome. Last evaluated: 2022-09-06. Review status: criteria provided, single submitter. Criteria: Ambry Variant Classification Scheme 2023. Collection method: clinical testing. Allele origin: germline.
Comment: The p.D831V variant (also known as c.2492A>T), located in coding exon 16 of the ATM gene, results from an A to T substitution at nucleotide position 2492. The aspartic acid at codon 831 is replaced by valine, an amino acid with highly dissimilar properties. This amino acid position is well conserved in available vertebrate species. In addition, this alteration is predicted to be tolerated by in silico analysis. Since supporting evidence is limited at this time, the clinical significance of this alteration remains unclear.

Labcorp Genetics (formerly Invitae), Labcorp
Classification: Uncertain significance for Ataxia-telangiectasia syndrome. Last evaluated: 2019-06-25. Review status: criteria provided, single submitter. Criteria: Invitae Variant Classification Sherloc (09022015). Collection method: clinical testing. Allele origin: germline.
Comment: In summary, the available evidence is currently insufficient to determine the role of this variant in disease. Therefore, it has been classified as a Variant of Uncertain Significance. Algorithms developed to predict the effect of missense changes on protein structure and function (SIFT, PolyPhen-2, Align-GVGD) all suggest that this variant is likely to be tolerated, but these predictions have not been confirmed by published functional studies and their clinical significance is uncertain. This variant has not been reported in the literature in individuals with ATM-related conditions. ClinVar contains an entry for this variant (Variation ID: 140896). This variant is not present in population databases (ExAC no frequency). This sequence change replaces aspartic acid with valine at codon 831 of the ATM protein (p.Asp831Val). The aspartic acid residue is weakly conserved and there is a large physicochemical difference between aspartic acid and valine.

NM_000051.4(ATM):c.2492A>T (p.Asp831Val)

Gene: ATM (ATM serine/threonine kinase; plus strand). Cytogenetic location: 11q22.3.
Variant type: single nucleotide variant.
Coding change: c.2492A>T on transcript NM_000051.4 (MANE Select); coding-DNA position 2492, A replaced by T.
Protein change: p.Asp831Val; replaces aspartic acid 831 with valine.
Molecular consequence: missense variant.
Genome position (GRCh38, 1-based): chr11:108,267,196, A>T. VCF-style: chr11-108267196-A-T. GRCh37 (hg19) VCF-style: chr11-108137923-A-T.
Other names: c.2492A>T, p.Asp831Val (NM_001351834.2); short protein forms D831V.
Identifiers: ClinVar variation 140896 (VCV000140896.15), dbSNP rs587781352, ClinGen allele CA163872.
Genomic context (GRCh38, chr11:108,267,196, plus strand): 5'-GCCATCTTGAACATCTTTGTTTCTCTTCCTTGAAGGCATCCTTCATCAAAAAGCCATTTG[A>T]CCGTGGAGAAGTAGAATCAATGGAAGATGATACTAATGGAAATCTAATGGAGGTGGAGGA-3'
Protein context (NP_000042.3, residues 821-841): SLASFIKKPF[Asp831Val]RGEVESMEDD